The following is an entry in ClinVar:

NM_006371.5(CRTAP):c.1001del (p.Asn334fs)

Gene: CRTAP (cartilage associated protein; plus strand). Cytogenetic location: 3p22.3.
Variant type: Deletion.
Coding change: c.1001del on transcript NM_006371.5 (MANE Select); coding-DNA position 1001, one base deleted (A; older notation c.1001delA).
Protein change: p.Asn334fs; shifts the reading frame from asparagine 334.
Molecular consequence: frameshift variant.
Genome position (GRCh38, 1-based): chr3:33,132,633, A deleted; the last of 2 consecutive A bases (chr3:33,132,632-33,132,633); deleting either gives the same sequence. VCF-style (leftmost placement, unchanged base first): chr3-33132631-GA-G. GRCh37 (hg19) VCF-style: chr3-33174123-GA-G.
Other names: c.1001del, p.Asn334fs (NM_001393363.1); c.872del, p.Asn291fs (NM_001393364.1); c.851del, p.Asn284fs (NM_001393365.1); short protein forms N334fs, N284fs, N291fs.
Identifiers: ClinVar variation 1395362 (VCV001395362.6), dbSNP rs2125603874, ClinGen allele CA2573136308.

ClinVar aggregate classification (germline): Pathogenic (1 of 4 stars; one submission).

Conditions:
Osteogenesis imperfecta type 7 (OI7). Also called: OSTEOGENESIS IMPERFECTA, TYPE IIB; Osteogenesis imperfecta type 2B; OI type 2B; Osteogenesis imperfecta, perinatal lethal autosomal recessive; OI type IIB; OI type 7. Identifiers: MedGen C1853162, MONDO:0012536, OMIM 610682.

Submission:

Labcorp Genetics (formerly Invitae), Labcorp
Classification: Pathogenic for Osteogenesis imperfecta type 7. Last evaluated: 2021-07-18. Review status: criteria provided, single submitter. Criteria: Invitae Variant Classification Sherloc (09022015). Collection method: clinical testing. Allele origin: germline.
Comment: This sequence change creates a premature translational stop signal (p.Asn334Thrfs*31) in the CRTAP gene. It is expected to result in an absent or disrupted protein product. Loss-of-function variants in CRTAP are known to be pathogenic (PMID: 17055431, 19862557, 24715559). This variant is not present in population databases (ExAC no frequency). This variant has not been reported in the literature in individuals affected with CRTAP-related conditions. For these reasons, this variant has been classified as Pathogenic.

Literature cited by the submitters: PubMed 17055431; PubMed 19862557; PubMed 24715559.